The following is an entry in ClinVar:

ClinVar aggregate classification (germline): Uncertain significance (1 of 4 stars; one submission).

Conditions:
Dystonic disorder. Also called: Dystonia. Identifiers: MedGen C0013421, MONDO:0003441, HP:0001332.

Submission:

Labcorp Genetics (formerly Invitae), Labcorp
Classification: Uncertain significance for Dystonic disorder. Last evaluated: 2024-07-15. Review status: criteria provided, single submitter. Criteria: Invitae Variant Classification Sherloc (09022015). Collection method: clinical testing. Allele origin: germline.
Comment: This sequence change replaces lysine, which is basic and polar, with arginine, which is basic and polar, at codon 161 of the ANO3 protein (p.Lys161Arg). This variant is present in population databases (rs748479105, gnomAD 0.01%). This variant has not been reported in the literature in individuals affected with ANO3-related conditions. Advanced modeling of protein sequence and biophysical properties (such as structural, functional, and spatial information, amino acid conservation, physicochemical variation, residue mobility, and thermodynamic stability) performed at Invitae indicates that this missense variant is not expected to disrupt ANO3 protein function with a negative predictive value of 95%. In summary, the available evidence is currently insufficient to determine the role of this variant in disease. Therefore, it has been classified as a Variant of Uncertain Significance.

NM_031418.4(ANO3):c.482A>G (p.Lys161Arg)

Gene: ANO3 (anoctamin 3; plus strand). Cytogenetic location: 11p14.2.
Variant type: single nucleotide variant.
Coding change: c.482A>G on transcript NM_031418.4 (MANE Select); coding-DNA position 482, A replaced by G.
Protein change: p.Lys161Arg; replaces lysine 161 with arginine.
Molecular consequence: missense variant.
Genome position (GRCh38, 1-based): chr11:26,508,153, A>G. VCF-style: chr11-26508153-A-G. GRCh37 (hg19) VCF-style: chr11-26529700-A-G.
Other names: c.665A>G, p.Lys222Arg (NM_001313726.2); c.44A>G, p.Lys15Arg (NM_001313727.2); short protein forms K15R, K161R, K222R.
Identifiers: ClinVar variation 3704097 (VCV003704097.2).